The following is an entry in ClinVar:

ClinVar aggregate classification (germline): Pathogenic/Likely pathogenic. Review status: criteria provided, multiple submitters, no conflicts (2 of 4 stars). 8 submissions from 8 submitters: Pathogenic (5); Likely pathogenic (2). 1 of the submissions does not count toward it. Last evaluated 2024-12-15.

Conditions:
Familial cancer of breast. Also called: hereditary breast carcinoma; Hereditary breast cancer; BREAST CANCER, FAMILIAL. Identifiers: Orphanet 227535, MedGen C0346153, MONDO:0016419, OMIM 114480. Disease mechanism: loss of function.
Ataxia-telangiectasia syndrome (AT). Also called: Ataxia-telangiectasia, complementation group D; Ataxia-telangiectasia, complementation group E; LOUIS-BAR SYNDROME; AT, COMPLEMENTATION GROUP C; ATAXIA-TELANGIECTASIA, COMPLEMENTATION GROUP A; ATAXIA-TELANGIECTASIA, FRESNO VARIANT. Identifiers: Orphanet 100, MedGen C0004135, MONDO:0008840, OMIM 208900.
Hereditary cancer-predisposing syndrome. Also called: Neoplastic Syndromes, Hereditary; Hereditary neoplastic syndrome; Hereditary Cancer Syndrome; Tumor predisposition. Identifiers: Orphanet 140162, MedGen C0027672, MeSH D009386, MONDO:0015356.

Allele frequency attached by ClinVar (database versions not stated): gnomAD exomes below 0.00001.

Submissions (8):

Labcorp Genetics (formerly Invitae), Labcorp
Classification: Pathogenic for Ataxia-telangiectasia syndrome. Last evaluated: 2024-12-15. Review status: criteria provided, single submitter. Criteria: Invitae Variant Classification Sherloc (09022015). Collection method: clinical testing. Allele origin: germline.
Comment: This sequence change creates a premature translational stop signal (p.Tyr2627Leufs*4) in the ATM gene. It is expected to result in an absent or disrupted protein product. Loss-of-function variants in ATM are known to be pathogenic (PMID: 23807571, 25614872). This variant is present in population databases (no rsID available, gnomAD 0.003%). This variant has not been reported in the literature in individuals affected with ATM-related conditions. ClinVar contains an entry for this variant (Variation ID: 370576). For these reasons, this variant has been classified as Pathogenic.

Quest Diagnostics Nichols Institute San Juan Capistrano
Classification: Likely pathogenic. Last evaluated: 2024-07-05. Review status: criteria provided, single submitter. Criteria: Quest Diagnostics criteria. Collection method: clinical testing. Allele origin: unknown.
Comment: The ATM c.7880del (p.Tyr2627Leufs*4) variant alters the translational reading frame of the ATM mRNA and is predicted to cause the premature termination of ATM protein synthesis. This variant has been has not been reported in individuals with ATM-related conditions in the published literature. The frequency of this variant in the general population, 0.000004 (1/250804 chromosomes (Genome Aggregation Database)), is consistent with pathogenicity. Based on the available information, this variant is classified as likely pathogenic.

Ambry Genetics
Classification: Pathogenic for Hereditary cancer-predisposing syndrome. Last evaluated: 2024-06-03. Review status: criteria provided, single submitter. Criteria: Ambry Variant Classification Scheme 2023. Collection method: clinical testing. Allele origin: germline.
Comment: The c.7880delA pathogenic mutation, located in coding exon 52 of the ATM gene, results from a deletion of one nucleotide at nucleotide position 7880, causing a translational frameshift with a predicted alternate stop codon (p.Y2627Lfs*4). This variant is considered to be rare based on population cohorts in the Genome Aggregation Database (gnomAD). This alteration is expected to result in loss of function by premature protein truncation or nonsense-mediated mRNA decay. As such, this alteration is interpreted as a disease-causing mutation.

Myriad Genetics, Inc.
Classification: Pathogenic for Familial cancer of breast. Last evaluated: 2024-02-01. Review status: criteria provided, single submitter. Criteria: Myriad Autosomal Dominant, Autosomal Recessive and X-Linked Classification Criteria (2023). Collection method: clinical testing. Allele origin: unknown.
Comment: This variant is considered pathogenic. This variant creates a frameshift predicted to result in premature protein truncation.

Baylor Genetics
Classification: Likely pathogenic for Familial cancer of breast. Last evaluated: 2023-08-02. Review status: criteria provided, single submitter. Criteria: ACMG Guidelines, 2015. Collection method: clinical testing. Allele origin: unknown.

Color Diagnostics, LLC DBA Color Health
Classification: Pathogenic for Hereditary cancer-predisposing syndrome. Last evaluated: 2019-11-04. Review status: criteria provided, single submitter. Criteria: ACMG Guidelines, 2015. Collection method: clinical testing. Allele origin: germline.
Comment: This variant deletes 1 nucleotide in exon 53 of the ATM gene, creating a frameshift and premature translation stop signal. This variant is expected to result in an absent or non-functional protein product. Splice site prediction tools suggest that this variant may not impact RNA splicing. To our knowledge, functional studies have not been performed for this variant. This variant has not been reported in individuals affected with hereditary cancer in the literature. This variant has been identified in 1/250804 chromosomes in the general population by the Genome Aggregation Database (gnomAD). Loss of ATM function is a known mechanism of disease. Based on the available evidence, this variant is classified as Pathogenic.

GeneDx
Classification: Pathogenic. Last evaluated: 2019-09-16. Review status: criteria provided, single submitter. Criteria: GeneDx Variant Classification Process June 2021. Collection method: clinical testing. Allele origin: germline. Affected: yes.
Comment: Frameshift variant predicted to result in protein truncation or nonsense mediated decay in a gene for which loss-of-function is a known mechanism of disease; Not observed at a significant frequency in large population cohorts (Lek et al., 2016); Has not been previously published as pathogenic or benign to our knowledge; This variant is associated with the following publications: (PMID: 29922827)

Counsyl
Classification: Likely pathogenic for Ataxia-telangiectasia syndrome. Last evaluated: 2016-03-02. Review status: no assertion criteria provided. Collection method: clinical testing. Allele origin: unknown. Not counted in ClinVar's aggregate classification.

Literature cited by the submitters: PubMed 23807571 (cited by Labcorp Genetics (formerly Invitae), Labcorp); PubMed 25614872 (cited by Labcorp Genetics (formerly Invitae), Labcorp); PubMed 29922827 (cited by Quest Diagnostics Nichols Institute San Juan Capistrano).

NM_000051.4(ATM):c.7880del (p.Tyr2627fs)

Genes: ATM (ATM serine/threonine kinase; plus strand), C11orf65 (chromosome 11 open reading frame 65; minus strand). Cytogenetic location: 11q22.3.
Variant type: Deletion.
Coding change: c.7880del on transcript NM_000051.4 (MANE Select); coding-DNA position 7880, one base deleted (A; older notation c.7880delA).
Protein change: p.Tyr2627fs; shifts the reading frame from tyrosine 2627.
Molecular consequence: frameshift variant. On other transcripts: intron variant (2).
Genome position (GRCh38, 1-based): chr11:108,332,853, A deleted. VCF-style (leftmost placement, unchanged base first): chr11-108332852-TA-T. GRCh37 (hg19) VCF-style: chr11-108203579-TA-T.
Other names: c.7880delA, p.Tyr2627Leufs (NM_000051.3); c.7880del, p.Tyr2627fs (NM_001351834.2); c.641-23782del (NM_001330368.2); c.*38+2367del (NM_001351110.2); short protein forms Y2627fs.
Identifiers: ClinVar variation 370576 (VCV000370576.23), dbSNP rs1057516599, ClinGen allele CA16041428.